The following is an entry in ClinVar:

ClinVar aggregate classification (germline): Uncertain significance (1 of 4 stars; one submission).

Conditions:
Neurofibromatosis, type 1 (NF1). Also called: Peripheral type neurofibromatosis; Neurofibromatosis, type I; VON RECKLINGHAUSEN DISEASE; NEUROFIBROMATOSIS, TYPE I, SOMATIC. Identifiers: Orphanet 636, MedGen C0027831, MONDO:0018975, OMIM 162200. Disease mechanism: loss of function.

Submission:

Labcorp Genetics (formerly Invitae), Labcorp
Classification: Uncertain significance for Neurofibromatosis, type 1. Last evaluated: 2020-07-07. Review status: criteria provided, single submitter. Criteria: Invitae Variant Classification Sherloc (09022015). Collection method: clinical testing. Allele origin: germline.
Comment: Algorithms developed to predict the effect of missense changes on protein structure and function are either unavailable or do not agree on the potential impact of this missense change (SIFT: "Deleterious"; PolyPhen-2: "Probably Damaging"; Align-GVGD: "Class C0"). In summary, the available evidence is currently insufficient to determine the role of this variant in disease. Therefore, it has been classified as a Variant of Uncertain Significance. This variant has not been reported in the literature in individuals with NF1-related conditions. This variant is not present in population databases (ExAC no frequency). This sequence change replaces lysine with glutamic acid at codon 1717 of the NF1 protein (p.Lys1717Glu). The lysine residue is moderately conserved and there is a small physicochemical difference between lysine and glutamic acid.

NM_001042492.3(NF1):c.5212A>G (p.Lys1738Glu)

Gene: NF1 (neurofibromin 1; plus strand). Cytogenetic location: 17q11.2.
Variant type: single nucleotide variant.
Coding change: c.5212A>G on transcript NM_001042492.3 (MANE Select); coding-DNA position 5212, A replaced by G.
Protein change: p.Lys1738Glu; replaces lysine 1738 with glutamic acid.
Molecular consequence: missense variant.
Genome position (GRCh38, 1-based): chr17:31,326,196, A>G. VCF-style: chr17-31326196-A-G. GRCh37 (hg19) VCF-style: chr17-29653214-A-G.
Other names: c.5149A>G, p.Lys1717Glu (NM_000267.4); short protein forms K1717E, K1738E.
Identifiers: ClinVar variation 1022373 (VCV001022373.5), dbSNP rs2069337096, ClinGen allele CA399008152.